The following is an entry in ClinVar:

NM_001128840.3(CACNA1D):c.1456C>T (p.Arg486Ter)

Gene: CACNA1D (calcium voltage-gated channel subunit alpha1 D; plus strand). Cytogenetic location: 3p21.1.
Variant type: single nucleotide variant.
Coding change: c.1456C>T on transcript NM_001128840.3 (MANE Select); coding-DNA position 1456, C replaced by T.
Protein change: p.Arg486Ter; replaces arginine 486 with a stop codon.
Molecular consequence: nonsense.
Genome position (GRCh38, 1-based): chr3:53,718,366, C>T. VCF-style: chr3-53718366-C-T. GRCh37 (hg19) VCF-style: chr3-53752393-C-T.
Other names: c.1456C>T, p.Arg486Ter (NM_000720.4, NM_001128839.3); short protein forms R486*.
Identifiers: ClinVar variation 2430601 (VCV002430601.1), dbSNP rs372337098, ClinGen allele CA74844694.

ClinVar aggregate classification (germline): Uncertain significance (1 of 4 stars; one submission).

Allele frequency attached by ClinVar (database versions not stated): gnomAD 0.00001; TOPMed 0.00001; ESP Exome Variant Server 0.00008.
gnomAD v4.1: 3 of 1,613,964 alleles (0.00019%); highest among the groups gnomAD compares: Non-Finnish European, 0.00025%; no homozygotes.

Submission:

GeneDx
Classification: Uncertain significance. Last evaluated: 2023-02-08. Review status: criteria provided, single submitter. Criteria: GeneDx Variant Classification Process June 2021. Collection method: clinical testing. Allele origin: germline. Affected: yes.
Comment: Nonsense variant predicted to result in protein truncation or nonsense mediated decay in a gene for which loss-of-function is not a known mechanism of disease; Not observed at significant frequency in large population cohorts (gnomAD); Has not been previously published as pathogenic or benign to our knowledge; This variant is associated with the following publications: (PMID: 27535533)